The following is an entry in ClinVar:

NM_005876.5(SPEG):c.3292A>G (p.Thr1098Ala)

Gene: SPEG (striated muscle enriched protein kinase; plus strand). Cytogenetic location: 2q35.
Variant type: single nucleotide variant.
Coding change: c.3292A>G on transcript NM_005876.5 (MANE Select); coding-DNA position 3292, A replaced by G.
Protein change: p.Thr1098Ala; replaces threonine 1098 with alanine.
Molecular consequence: missense variant.
Genome position (GRCh38, 1-based): chr2:219,468,727, A>G. VCF-style: chr2-219468727-A-G. GRCh37 (hg19) VCF-style: chr2-220333449-A-G.
Other names: short protein forms T1098A.
Identifiers: ClinVar variation 1363256 (VCV001363256.5), dbSNP rs1691598815, ClinGen allele CA350745954.
Genomic context (GRCh38, chr2:219,468,727, plus strand): 5'-GGCCGAGCTGCCCGTTTCGACTGCAAGATCAGTGGCACCCCGCCCCCTGTTGTTACCTGG[A>G]CTCATTTTGGTACGGCCCCTGTGCTGCAGGTGTTGAGGGCCCCCCCAAGGGCCCAGGCGG-3'
Protein context (NP_005867.3, residues 1088-1108): SGTPPPVVTW[Thr1098Ala]HFGCPMEESE

ClinVar aggregate classification (germline): Uncertain significance (1 of 4 stars; one submission).

Submission:

Labcorp Genetics (formerly Invitae), Labcorp
Classification: Uncertain significance. Last evaluated: 2021-09-21. Review status: criteria provided, single submitter. Criteria: Invitae Variant Classification Sherloc (09022015). Collection method: clinical testing. Allele origin: germline.
Comment: In summary, the available evidence is currently insufficient to determine the role of this variant in disease. Therefore, it has been classified as a Variant of Uncertain Significance. Algorithms developed to predict the effect of missense changes on protein structure and function output the following: SIFT: "Tolerated"; PolyPhen-2: "Possibly Damaging"; Align-GVGD: "Class C0". The alanine amino acid residue is found in multiple mammalian species, which suggests that this missense change does not adversely affect protein function. This variant has not been reported in the literature in individuals affected with SPEG-related conditions. This variant is not present in population databases (ExAC no frequency). This sequence change replaces threonine with alanine at codon 1098 of the SPEG protein (p.Thr1098Ala). The threonine residue is highly conserved and there is a small physicochemical difference between threonine and alanine.